The following is an entry in ClinVar:

ClinVar aggregate classification (germline): Uncertain significance. Review status: criteria provided, multiple submitters, no conflicts (2 of 4 stars). 4 submissions from 4 submitters: Uncertain significance (4). Last evaluated 2026-06-15.

Conditions:
PLEC-related disorder. Also called: PLEC-related condition; PLEC-related disorders.
Autosomal recessive limb-girdle muscular dystrophy type 2Q (LGMDR17). Also called: MUSCULAR DYSTROPHY, LIMB-GIRDLE, AUTOSOMAL RECESSIVE 17. Identifiers: Orphanet 254361, MedGen C3150989, MONDO:0013390, OMIM 613723.
Epidermolysis bullosa simplex 5B, with muscular dystrophy (EBS5B). Also called: EPIDERMOLYSIS BULLOSA SIMPLEX AND LIMB-GIRDLE MUSCULAR DYSTROPHY; Epidermolysis bullosa simplex with muscular dystrophy. Identifiers: Orphanet 257, MedGen C2931072, MONDO:0009181, OMIM 226670.
Epidermolysis bullosa simplex with nail dystrophy (EBS5D). Identifiers: MedGen C4225309, MONDO:0014661, OMIM 616487.
Epidermolysis bullosa simplex 5C, with pyloric atresia (EBS5C). Also called: PLEC-Related Epidermolysis Bullosa with Pyloric Atresia; Epidermolysis bullosa simplex with pyloric atresia; PLEC1-Related Epidermolysis Bullosa with Pyloric Atresia. Identifiers: Orphanet 158684, MedGen C2677349, MONDO:0012807, OMIM 612138.
Epidermolysis bullosa simplex, Ogna type (EBS5A). Also called: EPIDERMOLYSIS BULLOSA SIMPLEX 5A, OGNA TYPE; Pidermolysis bullosa simplex 5A, Ogna type. Identifiers: Orphanet 79401, MedGen C0432317, MONDO:0007555, OMIM 131950.
Inborn genetic diseases. Identifiers: MedGen C0950123, MeSH D030342.

Allele frequency attached by ClinVar (database versions not stated): gnomAD 0.00005; TOPMed 0.00006; ExAC 0.00008; gnomAD exomes 0.00009.
gnomAD v4.1: 66 of 1,612,180 alleles (0.0041%); highest among the groups gnomAD compares: Admixed American, 0.017%; no homozygotes.

Submissions (4):

PreventionGenetics, part of Exact Sciences
Classification: Uncertain significance for PLEC-related condition. Last evaluated: 2026-06-15. Review status: criteria provided, single submitter. Criteria: ACMG Guidelines, 2015. Collection method: clinical testing. Allele origin: germline.
Comment: The PLEC c.8321G>A variant is predicted to result in the amino acid substitution p.Arg2774Gln. To our knowledge, this variant has not been reported in the literature. This variant is reported in 0.021% of alleles in individuals of East Asian descent in gnomAD. At this time, the clinical significance of this variant is uncertain due to the absence of conclusive functional and genetic evidence.

Labcorp Genetics (formerly Invitae), Labcorp
Classification: Uncertain significance for Autosomal recessive limb-girdle muscular dystrophy type 2Q; Epidermolysis bullosa simplex, Ogna type; Epidermolysis bullosa simplex with nail dystrophy; Epidermolysis bullosa simplex 5C, with pyloric atresia; Epidermolysis bullosa simplex 5B, with muscular dystrophy. Last evaluated: 2025-01-29. Review status: criteria provided, single submitter. Criteria: Invitae Variant Classification Sherloc (09022015). Collection method: clinical testing. Allele origin: germline.
Comment: This sequence change replaces arginine, which is basic and polar, with glutamine, which is neutral and polar, at codon 2774 of the PLEC protein (p.Arg2774Gln). This variant is present in population databases (rs199856296, gnomAD 0.02%). This variant has not been reported in the literature in individuals affected with PLEC-related conditions. ClinVar contains an entry for this variant (Variation ID: 660805). An algorithm developed to predict the effect of missense changes on protein structure and function outputs the following: PolyPhen-2: "Benign". The glutamine amino acid residue is found in multiple mammalian species, which suggests that this missense change does not adversely affect protein function. In summary, the available evidence is currently insufficient to determine the role of this variant in disease. Therefore, it has been classified as a Variant of Uncertain Significance.

Ambry Genetics
Classification: Uncertain significance for Inborn genetic diseases. Last evaluated: 2024-01-24. Review status: criteria provided, single submitter. Criteria: Ambry Variant Classification Scheme 2023. Collection method: clinical testing. Allele origin: germline.

Revvity Omics, Revvity
Classification: Uncertain significance. Last evaluated: 2020-01-03. Review status: criteria provided, single submitter. Criteria: ACMG Guidelines, 2015. Collection method: clinical testing. Allele origin: germline.

NM_201384.3(PLEC):c.8240G>A (p.Arg2747Gln)

Gene: PLEC (plectin; minus strand). Cytogenetic location: 8q24.3.
Variant type: single nucleotide variant.
Coding change: c.8240G>A on transcript NM_201384.3 (MANE Select); coding-DNA position 8240, G replaced by A.
Protein change: p.Arg2747Gln; replaces arginine 2747 with glutamine.
Molecular consequence: missense variant.
Genome position (GRCh38, 1-based): chr8:143,921,581, C>T on the plus strand (G>A on the coding strand, the complement: PLEC is on the minus strand). VCF-style: chr8-143921581-C-T. GRCh37 (hg19) VCF-style: chr8-144995749-C-T.
Other names: c.8321G>A (NM_000445.3); c.8321G>A, p.Arg2774Gln (NM_000445.5); c.8198G>A, p.Arg2733Gln (NM_201378.4); c.8174G>A, p.Arg2725Gln (NM_201379.3); c.8651G>A, p.Arg2884Gln (NM_201380.4); c.8144G>A, p.Arg2715Gln (NM_201381.3); c.8240G>A, p.Arg2747Gln (NM_201382.4); c.8252G>A, p.Arg2751Gln (NM_201383.3); short protein forms R2725Q, R2751Q, R2884Q, R2747Q, R2715Q, R2733Q, R2774Q.
Identifiers: ClinVar variation 660805 (VCV000660805.11), dbSNP rs199856296, ClinGen allele CA4925384.